The following is an entry in ClinVar:

NM_032634.4(PIGO):c.2711_2713del (p.Tyr904del)

Gene: PIGO (phosphatidylinositol glycan anchor biosynthesis class O; minus strand). Cytogenetic location: 9p13.3.
Variant type: Deletion.
Coding change: c.2711_2713del on transcript NM_032634.4 (MANE Select); coding-DNA positions 2711 to 2713, 3 bases deleted (ACT; older notation c.2711_2713delACT).
Protein change: p.Tyr904del; deletes tyrosine 904.
Molecular consequence: inframe deletion.
Genome position (GRCh38, 1-based): chr9:35,090,607-35,090,609, AGT deleted on the plus strand (ACT on the coding strand, the reverse complement: PIGO is on the minus strand); deleting any 3 consecutive bases within chr9:35,090,607-35,090,611 gives the same sequence; the c. name uses the placement nearest the transcript's 3' end. VCF-style (leftmost placement, unchanged base first): chr9-35090606-GAGT-G. GRCh37 (hg19) VCF-style: chr9-35090603-GAGT-G.
Other names: c.1460_1462del, p.Tyr487del (NM_001201484.2, NM_152850.4); short protein forms Y487del, Y904del.
Identifiers: ClinVar variation 1978323 (VCV001978323.4), dbSNP rs2490439573, ClinGen allele CA2580080404.

ClinVar aggregate classification (germline): Uncertain significance (1 of 4 stars; one submission).

Conditions:
Hyperphosphatasia with impaired intellectual development syndrome 2. Also called: GLYCOSYLPHOSPHATIDYLINOSITOL BIOSYNTHESIS DEFECT 6; Hyperphosphatasia with intellectual disability syndrome 2. Identifiers: Orphanet 247262, MedGen C3553637, MONDO:0013882, OMIM 614749.

Submission:

Labcorp Genetics (formerly Invitae), Labcorp
Classification: Uncertain significance for Hyperphosphatasia with impaired intellectual development syndrome 2. Last evaluated: 2021-12-17. Review status: criteria provided, single submitter. Criteria: Invitae Variant Classification Sherloc (09022015). Collection method: clinical testing. Allele origin: germline.
Comment: Experimental studies and prediction algorithms are not available or were not evaluated, and the functional significance of this variant is currently unknown. In summary, the available evidence is currently insufficient to determine the role of this variant in disease. Therefore, it has been classified as a Variant of Uncertain Significance. This variant has not been reported in the literature in individuals affected with PIGO-related conditions. This variant is not present in population databases (gnomAD no frequency). This variant, c.2711_2713del, results in the deletion of 1 amino acid(s) of the PIGO protein (p.Tyr904del), but otherwise preserves the integrity of the reading frame.